The following is an entry in ClinVar:

ClinVar aggregate classification (germline): Uncertain significance (1 of 4 stars; one submission).

Conditions:
Fanconi anemia (FA). Also called: Fanconi's anemia. Identifiers: Orphanet 84, MedGen C0015625, MeSH D005199, MONDO:0019391.

Submission:

Labcorp Genetics (formerly Invitae), Labcorp
Classification: Uncertain significance for Fanconi anemia. Last evaluated: 2021-08-17. Review status: criteria provided, single submitter. Criteria: Invitae Variant Classification Sherloc (09022015). Collection method: clinical testing. Allele origin: germline.
Comment: This variant is not present in population databases (ExAC no frequency). This variant has not been reported in the literature in individuals affected with SLX4-related conditions. Algorithms developed to predict the effect of missense changes on protein structure and function are either unavailable or do not agree on the potential impact of this missense change (SIFT: "Deleterious"; PolyPhen-2: "Probably Damaging"; Align-GVGD: "Class C0"). In summary, the available evidence is currently insufficient to determine the role of this variant in disease. Therefore, it has been classified as a Variant of Uncertain Significance. This sequence change replaces glutamic acid with glycine at codon 433 of the SLX4 protein (p.Glu433Gly). The glutamic acid residue is highly conserved and there is a moderate physicochemical difference between glutamic acid and glycine.

NM_032444.4(SLX4):c.1298A>G (p.Glu433Gly)

Gene: SLX4 (SLX4 structure-specific endonuclease subunit; minus strand). Cytogenetic location: 16p13.3.
Variant type: single nucleotide variant.
Coding change: c.1298A>G on transcript NM_032444.4 (MANE Select); coding-DNA position 1298, A replaced by G.
Protein change: p.Glu433Gly; replaces glutamic acid 433 with glycine.
Molecular consequence: missense variant.
Genome position (GRCh38, 1-based): chr16:3,597,865, T>C on the plus strand (A>G on the coding strand, the complement: SLX4 is on the minus strand). VCF-style: chr16-3597865-T-C. GRCh37 (hg19) VCF-style: chr16-3647866-T-C.
Other names: short protein forms E433G.
Identifiers: ClinVar variation 1513448 (VCV001513448.6), dbSNP rs2151131871, ClinGen allele CA394529465.
Genomic context (GRCh38, chr16:3,597,865, plus strand): 5'-GGTCTTATCCTCTCAGAAAAGGCACTTTCCAGCCTGAGCGCTGGTACAGCCGCACCCGGC[T>C]CCATCTCCGACCGGGACAGAGCCATGGCCACCAGCAGGTCCTCGGACGGTGCCTCGTCCA-3'
Protein context (NP_115820.2, residues 423-443): VAMALSRSEM[Glu433Gly]PGAAVPALRL